The following is an entry in ClinVar:

ClinVar aggregate classification (germline): Conflicting classifications of pathogenicity. Review status: criteria provided, conflicting classifications (1 of 4 stars). 3 submissions from 3 submitters: Uncertain significance (2); Likely benign (1). Last evaluated 2026-07-20.

Conditions:
CREBBP-related disorder. Also called: CREBBP-related disorders; CREBBP-related condition.
Inborn genetic diseases. Identifiers: MedGen C0950123, MeSH D030342.
Rubinstein-Taybi syndrome (RSTS). Identifiers: Orphanet 783, MedGen C0035934, MONDO:0019188.

gnomAD v4.1: 1 of 1,613,986 alleles (0.000062%); highest among the groups gnomAD compares: Non-Finnish European, 0.000085%; no homozygotes.

Submissions (3):

PreventionGenetics, part of Exact Sciences
Classification: Uncertain significance for CREBBP-related condition. Last evaluated: 2026-07-20. Review status: criteria provided, single submitter. Criteria: ACMG Guidelines, 2015. Collection method: clinical testing. Allele origin: germline.
Comment: The CREBBP c.389C>A variant is predicted to result in the amino acid substitution p.Ala130Asp. To our knowledge, this variant has not been reported in the literature. This variant is reported in 0.0065% of alleles in individuals of European (Non-Finnish) descent in gnomAD. At this time, the clinical significance of this variant is uncertain due to the absence of conclusive functional and genetic evidence.

Labcorp Genetics (formerly Invitae), Labcorp
Classification: Likely benign for Rubinstein-Taybi syndrome. Last evaluated: 2025-09-16. Review status: criteria provided, single submitter. Criteria: Invitae Variant Classification Sherloc (09022015). Collection method: clinical testing. Allele origin: germline.

Ambry Genetics
Classification: Uncertain significance for Inborn genetic diseases. Last evaluated: 2021-10-22. Review status: criteria provided, single submitter. Criteria: Ambry Variant Classification Scheme 2023. Collection method: clinical testing. Allele origin: germline.

NM_004380.3(CREBBP):c.389C>A (p.Ala130Asp)

Gene: CREBBP (CREB binding lysine acetyltransferase; minus strand). Cytogenetic location: 16p13.3.
Variant type: single nucleotide variant.
Coding change: c.389C>A on transcript NM_004380.3 (MANE Select); coding-DNA position 389, C replaced by A.
Protein change: p.Ala130Asp; replaces alanine 130 with aspartic acid.
Molecular consequence: missense variant.
Genome position (GRCh38, 1-based): chr16:3,850,706, G>T on the plus strand (C>A on the coding strand, the complement: CREBBP is on the minus strand). VCF-style: chr16-3850706-G-T. GRCh37 (hg19) VCF-style: chr16-3900707-G-T.
Other names: c.389C>A, p.Ala130Asp (NM_001079846.1); short protein forms A130D.
Identifiers: ClinVar variation 2256698 (VCV002256698.4), dbSNP rs1333746955, ClinGen allele CA394561313.
Genomic context (GRCh38, chr16:3,850,706, plus strand): 5'-GCTTGGGAGGCAGCGGGGGTGGGCCCAGAGGTGCTGGCTGCCTGTTTAGGCAGGCTGGGG[G>T]CTGAAGAATCTCCCTGGCTCAGAGGGCTCTTGCCCATGGCACTGAGGCTGGCCATGTTAG-3'
Protein context (NP_004371.2, residues 120-140): KSPLSQGDSS[Ala130Asp]PSLPKQAAST